The following is an entry in ClinVar:

NM_001377.3(DYNC2H1):c.1135-11_1135-8del

Gene: DYNC2H1 (dynein cytoplasmic 2 heavy chain 1; plus strand). Cytogenetic location: 11q22.3.
Variant type: Deletion.
Coding change: c.1135-11_1135-8del on transcript NM_001377.3 (MANE Select); 11 bases into the intron before coding-DNA position 1135 through 8 bases into the intron before coding-DNA position 1135, 4 bases deleted (AATG; older notation c.1135-11_1135-8delAATG).
Molecular consequence: intron variant.
Genome position (GRCh38, 1-based): chr11:103,120,678-103,120,681, AATG deleted. VCF-style (leftmost placement, unchanged base first): chr11-103120677-TAATG-T. GRCh37 (hg19) VCF-style: chr11-102991406-TAATG-T.
Other names: c.1135-11_1135-8del (NM_001080463.2).
Identifiers: ClinVar variation 421398 (VCV000421398.22), dbSNP rs551487728, ClinGen allele CA6252699.

ClinVar aggregate classification (germline): Likely benign. Review status: criteria provided, multiple submitters, no conflicts (2 of 4 stars). 5 submissions from 5 submitters: Likely benign (5). Last evaluated 2025-12-29.

Conditions:
Jeune thoracic dystrophy. Also called: Short-rib thoracic dysplasia; Jeune syndrome; Infantile thoracic dystrophy; Thoracic pelvic phalangeal dystrophy; Jeune's syndrome; Chondroectodermal dysplasia-like syndrome. Identifiers: Orphanet 474, MedGen C0265275, MONDO:0018770.
Asphyxiating thoracic dystrophy 3. Also called: SHORT-RIB THORACIC DYSPLASIA 3 WITH OR WITHOUT POLYDACTYLY; POLYDACTYLY WITH NEONATAL CHONDRODYSTROPHY, TYPE I; SHORT-RIB THORACIC DYSPLASIA 3/6 WITH POLYDACTYLY, DIGENIC; Short rib polydactyly syndrome 2B; Saldino-Noonan Syndrome. Identifiers: Orphanet 474, Orphanet 93269, Orphanet 93270, Orphanet 93271, MedGen C0036069, MONDO:0013127, OMIM 613091.

Allele frequency attached by ClinVar (database versions not stated): gnomAD exomes 0.00006 and 0.00013; ExAC 0.00017; TOPMed 0.00042; ESP Exome Variant Server 0.00044; gnomAD 0.00062 and 0.00064; 1000 Genomes Project 0.00120; 1000 Genomes Project 30x 0.00172.

Submissions (5):

Labcorp Genetics (formerly Invitae), Labcorp
Classification: Likely benign for Jeune thoracic dystrophy. Last evaluated: 2025-12-29. Review status: criteria provided, single submitter. Criteria: Invitae Variant Classification Sherloc (09022015). Collection method: clinical testing. Allele origin: germline.

CeGaT Center for Human Genetics Tuebingen
Classification: Likely benign. Last evaluated: 2025-07-01. Review status: criteria provided, single submitter. Criteria: CeGaT Center For Human Genetics Tuebingen Variant Classification Criteria Version 2. Collection method: clinical testing. Allele origin: germline. Affected: yes. Observed: 1 variant allele.
Comment: DYNC2H1: BP4

Blueprint Genetics
Classification: Likely benign. Last evaluated: 2024-03-26. Review status: criteria provided, single submitter. Criteria: ACMG Guidelines, 2015. Collection method: clinical testing. Allele origin: germline.

ARUP Laboratories, Molecular Genetics and Genomics, ARUP Laboratories
Classification: Likely benign for Asphyxiating thoracic dystrophy 3. Last evaluated: 2020-04-02. Review status: criteria provided, single submitter. Criteria: ARUP Molecular Germline Variant Investigation Process. Collection method: clinical testing. Allele origin: germline.

GeneDx
Classification: Likely benign. Last evaluated: 2016-06-09. Review status: criteria provided, single submitter. Criteria: GeneDx Variant Classification (06012015). Collection method: clinical testing. Allele origin: germline. Affected: yes.
Comment: This variant is considered likely benign or benign based on one or more of the following criteria: it is a conservative change, it occurs at a poorly conserved position in the protein, it is predicted to be benign by multiple in silico algorithms, and/or has population frequency not consistent with disease.